The following is an entry in ClinVar:

ClinVar aggregate classification (germline): Uncertain significance (1 of 4 stars; one submission).

Submission:

Labcorp Genetics (formerly Invitae), Labcorp
Classification: Uncertain significance. Last evaluated: 2020-11-24. Review status: criteria provided, single submitter. Criteria: Invitae Variant Classification Sherloc (09022015). Collection method: clinical testing. Allele origin: germline.
Comment: This variant has not been reported in the literature in individuals with POLE-related conditions. This variant is not present in population databases (ExAC no frequency). This sequence change falls in intron 21 of the POLE gene. It does not directly change the encoded amino acid sequence of the POLE protein. It affects a nucleotide within the consensus splice site of the intron. Nucleotide substitutions within the consensus splice site are a relatively common cause of aberrant splicing (PMID: 17576681, 9536098). Algorithms developed to predict the effect of sequence changes on RNA splicing suggest that this variant may disrupt the consensus splice site, but this prediction has not been confirmed by published transcriptional studies. In summary, the available evidence is currently insufficient to determine the role of this variant in disease. Therefore, it has been classified as a Variant of Uncertain Significance.

Literature cited by the submitters: PubMed 17576681; PubMed 9536098.

NM_006231.4(POLE):c.2468+3A>T

Gene: POLE (DNA polymerase epsilon, catalytic subunit; minus strand). Cytogenetic location: 12q24.33.
Variant type: single nucleotide variant.
Coding change: c.2468+3A>T on transcript NM_006231.4 (MANE Select); 3 bases into the intron after coding-DNA position 2468, A replaced by T.
Molecular consequence: intron variant.
Genome position (GRCh38, 1-based): chr12:132,665,299, T>A on the plus strand (A>T on the coding strand, the complement: POLE is on the minus strand). VCF-style: chr12-132665299-T-A. GRCh37 (hg19) VCF-style: chr12-133241885-T-A.
Identifiers: ClinVar variation 1467590 (VCV001467590.6), dbSNP rs2135961203, ClinGen allele CA2573148290.